The following is an entry in ClinVar:

ClinVar aggregate classification (germline): Uncertain significance (1 of 4 stars; one submission).

Allele frequency attached by ClinVar (database versions not stated): ExAC 0.00001; gnomAD exomes 0.00001; gnomAD 0.00002.
gnomAD v4.1: 22 of 1,613,952 alleles (0.0014%); highest among the groups gnomAD compares: Admixed American, 0.0017%; no homozygotes.

Submission:

GeneDx
Classification: Uncertain significance. Last evaluated: 2019-05-23. Review status: criteria provided, single submitter. Criteria: GeneDx Variant Classification Process June 2021. Collection method: clinical testing. Allele origin: germline. Affected: yes.
Comment: Has not been previously published as pathogenic or benign to our knowledge; In silico analysis, which includes protein predictors and evolutionary conservation, supports that this variant does not alter protein structure/function

NM_000359.3(TGM1):c.2279G>A (p.Arg760Gln)

Gene: TGM1 (transglutaminase 1; minus strand). Cytogenetic location: 14q12.
Variant type: single nucleotide variant.
Coding change: c.2279G>A on transcript NM_000359.3 (MANE Select); coding-DNA position 2279, G replaced by A.
Protein change: p.Arg760Gln; replaces arginine 760 with glutamine.
Molecular consequence: missense variant.
Genome position (GRCh38, 1-based): chr14:24,249,488, C>T on the plus strand (G>A on the coding strand, the complement: TGM1 is on the minus strand). VCF-style: chr14-24249488-C-T. GRCh37 (hg19) VCF-style: chr14-24718694-C-T.
Other names: short protein forms R760Q.
Identifiers: ClinVar variation 1306187 (VCV001306187.2), dbSNP rs746278667, ClinGen allele CA7130816.